The following is an entry in ClinVar:

NM_002334.4(LRP4):c.*2080T>C

Genes: LRP4 (LDL receptor related protein 4; minus strand), LRP4-AS1 (LRP4 antisense RNA 1; plus strand). Cytogenetic location: 11p11.2.
Variant type: single nucleotide variant.
Coding change: c.*2080T>C on transcript NM_002334.4 (MANE Select); 2080 bases downstream of the stop codon, T replaced by C.
Molecular consequence: 3 prime UTR variant.
Genome position (GRCh38, 1-based): chr11:46,856,903, A>G on the plus strand (T>C on the coding strand, the complement: LRP4 is on the minus strand). VCF-style: chr11-46856903-A-G. GRCh37 (hg19) VCF-style: chr11-46878454-A-G.
Identifiers: ClinVar variation 878834 (VCV000878834.4), dbSNP rs76159791, ClinGen allele CA221658135.

ClinVar aggregate classification (germline): Benign (1 of 4 stars; one submission).

Conditions:
Cenani-Lenz syndactyly syndrome. Also called: CENANI SYNDACTYLISM; SYNDACTYLY, TYPE VII. Identifiers: Orphanet 3258, MedGen C1859309, MONDO:0008931, OMIM 212780.

Allele frequency attached by ClinVar (database versions not stated): gnomAD 0.00028 and 0.00038; TOPMed 0.00055; 1000 Genomes Project 30x 0.00141; 1000 Genomes Project 0.00160.

Submission:

Illumina Laboratory Services, Illumina
Classification: Benign for Cenani-Lenz syndactyly syndrome. Last evaluated: 2017-04-27. Review status: criteria provided, single submitter. Criteria: ICSL Variant Classification Criteria 13 December 2019. Collection method: clinical testing. Allele origin: germline.
Comment: This variant was observed as part of a predisposition screen in an ostensibly healthy population. A literature search was performed for the gene, cDNA change, and amino acid change (where applicable). No publications were found based on this search. Allele frequency data from public databases was too high to be consistent with this variant causing disease. Therefore, this variant is classified as benign.